The following is an entry in ClinVar:

NM_006231.4(POLE):c.3013T>C (p.Ser1005Pro)

Gene: POLE (DNA polymerase epsilon, catalytic subunit; minus strand). Cytogenetic location: 12q24.33.
Variant type: single nucleotide variant.
Coding change: c.3013T>C on transcript NM_006231.4 (MANE Select); coding-DNA position 3013, T replaced by C.
Protein change: p.Ser1005Pro; replaces serine 1005 with proline.
Molecular consequence: missense variant.
Genome position (GRCh38, 1-based): chr12:132,661,016, A>G on the plus strand (T>C on the coding strand, the complement: POLE is on the minus strand). VCF-style: chr12-132661016-A-G. GRCh37 (hg19) VCF-style: chr12-133237602-A-G.
Other names: short protein forms S1005P.
Identifiers: ClinVar variation 3935732 (VCV003935732.1).
Genomic context (GRCh38, chr12:132,661,016, plus strand): 5'-GGTAGGCCTTTACCTTGCTGTACAGCACGTCCAGCCAGTAGTCAGCCACCTTGGCTACAG[A>G]GCCATACACCTCTTCCAGCGTGCTGCCCTTGAGGAAGGCCTCAAACACCGAGGATTGGAA-3'
Protein context (NP_006222.2, residues 995-1015): KGSTLEEVYG[Ser1005Pro]VAKVADYWLD

ClinVar aggregate classification (germline): Uncertain significance (1 of 4 stars; one submission).

Conditions:
Hereditary cancer-predisposing syndrome. Also called: Tumor predisposition; Hereditary neoplastic syndrome; Hereditary Cancer Syndrome; Neoplastic Syndromes, Hereditary. Identifiers: Orphanet 140162, MedGen C0027672, MeSH D009386, MONDO:0015356.

Submission:

Ambry Genetics
Classification: Uncertain significance for Hereditary cancer-predisposing syndrome. Last evaluated: 2025-04-17. Review status: criteria provided, single submitter. Criteria: Ambry Variant Classification Scheme 2023. Collection method: clinical testing. Allele origin: germline.
Comment: The p.S1005P variant (also known as c.3013T>C), located in coding exon 25 of the POLE gene, results from a T to C substitution at nucleotide position 3013. The serine at codon 1005 is replaced by proline, an amino acid with similar properties. This amino acid position is conserved. In addition, the in silico prediction for this alteration is inconclusive. Based on the available evidence, the clinical significance of this variant remains unclear.